The following is an entry in ClinVar:

ClinVar aggregate classification (germline): Likely benign (1 of 4 stars; one submission).

Submission:

CeGaT Center for Human Genetics Tuebingen
Classification: Likely benign. Last evaluated: 2024-05-01. Review status: criteria provided, single submitter. Criteria: CeGaT Center For Human Genetics Tuebingen Variant Classification Criteria Version 2. Collection method: clinical testing. Allele origin: germline. Affected: yes. Observed: 1 variant allele.
Comment: HSPG2: PM2:Supporting, BP4, BP7

NM_005529.7(HSPG2):c.8445A>C (p.Ser2815=)

Gene: HSPG2 (heparan sulfate proteoglycan 2; minus strand). Cytogenetic location: 1p36.12.
Variant type: single nucleotide variant.
Coding change: c.8445A>C on transcript NM_005529.7 (MANE Select); coding-DNA position 8445, A replaced by C.
Protein change: p.Ser2815=; no amino-acid change (serine 2815 retained).
Molecular consequence: synonymous variant.
Genome position (GRCh38, 1-based): chr1:21,846,127, T>G on the plus strand (A>C on the coding strand, the complement: HSPG2 is on the minus strand). VCF-style: chr1-21846127-T-G. GRCh37 (hg19) VCF-style: chr1-22172620-T-G.
Other names: c.8448A>C, p.Ser2816= (NM_001291860.2).
Identifiers: ClinVar variation 3239254 (VCV003239254.19), dbSNP rs1638412200.